The following is an entry in ClinVar:

NM_001376571.1(MADD):c.1074dup (p.Cys359fs)

Gene: MADD (MAP kinase activating death domain; plus strand). Cytogenetic location: 11p11.2.
Variant type: Duplication.
Coding change: c.1074dup on transcript NM_001376571.1 (MANE Select); coding-DNA position 1074, one base duplicated (C; older notation c.1074dupC).
Protein change: p.Cys359fs; shifts the reading frame from cysteine 359.
Molecular consequence: frameshift variant. On other transcripts: non-coding transcript variant (8).
Genome position (GRCh38, 1-based): chr11:47,276,842, C duplicated; the last of 2 consecutive C bases (chr11:47,276,841-47,276,842); duplicating either gives the same sequence. VCF-style (leftmost placement, unchanged base first): chr11-47276840-A-AC. GRCh37 (hg19) VCF-style: chr11-47298391-A-AC.
Other names: c.1074dup, p.Cys359fs (NM_001135943.2, NM_001135944.2, NM_001376572.1 and 80 more transcripts); c.870dup, p.Cys291fs (NM_001376620.1, NM_001376626.1, NM_001376627.1 and 9 more transcripts); c.408dup, p.Cys137fs (NM_001376663.1); short protein forms C137fs, C359fs, C291fs.
Identifiers: ClinVar variation 4995420 (VCV004995420.1).

ClinVar aggregate classification (germline): Likely pathogenic (1 of 4 stars; one submission).

Conditions:
MADD-related disorder. Also called: MADD-related condition; MADD-Related Disorders.

Submission:

PreventionGenetics, part of Exact Sciences
Classification: Likely pathogenic for MADD-related condition. Last evaluated: 2026-05-29. Review status: criteria provided, single submitter. Criteria: ACMG Guidelines, 2015. Collection method: clinical testing. Allele origin: germline.
Comment: The MADD c.1074dupC variant is predicted to result in a frameshift and premature protein termination (p.Cys359Leufs*34). To our knowledge, this variant has not been reported in the literature or in a large population database (gnomAD), indicating this variant is rare. Frameshift variants in MADD are expected to be pathogenic. This variant is interpreted as likely pathogenic.